The following is an entry in ClinVar:

NM_032119.4(ADGRV1):c.10828C>T (p.Leu3610Phe)

Gene: ADGRV1 (adhesion G protein-coupled receptor V1; plus strand). Cytogenetic location: 5q14.3.
Variant type: single nucleotide variant.
Coding change: c.10828C>T on transcript NM_032119.4 (MANE Select); coding-DNA position 10828, C replaced by T.
Protein change: p.Leu3610Phe; replaces leucine 3610 with phenylalanine.
Molecular consequence: missense variant. On other transcripts: non-coding transcript variant (1).
Genome position (GRCh38, 1-based): chr5:90,745,649, C>T. VCF-style: chr5-90745649-C-T. GRCh37 (hg19) VCF-style: chr5-90041466-C-T.
Other names: short protein forms L3610F.
Identifiers: ClinVar variation 934002 (VCV000934002.7), dbSNP rs1754540709, ClinGen allele CA360409009.
Genomic context (GRCh38, chr5:90,745,649, plus strand): 5'-AGTTCAGGTGAACTGATATTTGAACCTGGTGAGAGAGAAGCTACAATAGCAGTAAATATC[C>T]TTGATGATACAGTTCCAGAAAAAGAAGAATCCTTCAAAGTTCAACTTAAAAATCCCAAAG-3'
Protein context (NP_115495.3, residues 3600-3620): EREATIAVNI[Leu3610Phe]DDTVPEKEES

ClinVar aggregate classification (germline): Uncertain significance (1 of 4 stars; one submission).

gnomAD v4.1: 3 of 1,612,656 alleles (0.00019%); highest among the groups gnomAD compares: Admixed American, 0.0033%; no homozygotes.

Submission:

Labcorp Genetics (formerly Invitae), Labcorp
Classification: Uncertain significance. Last evaluated: 2022-10-04. Review status: criteria provided, single submitter. Criteria: Invitae Variant Classification Sherloc (09022015). Collection method: clinical testing. Allele origin: germline.
Comment: This sequence change replaces leucine, which is neutral and non-polar, with phenylalanine, which is neutral and non-polar, at codon 3610 of the ADGRV1 protein (p.Leu3610Phe). This variant is not present in population databases (gnomAD no frequency). This variant has not been reported in the literature in individuals affected with ADGRV1-related conditions. ClinVar contains an entry for this variant (Variation ID: 934002). Advanced modeling of protein sequence and biophysical properties (such as structural, functional, and spatial information, amino acid conservation, physicochemical variation, residue mobility, and thermodynamic stability) performed at Invitae indicates that this missense variant is not expected to disrupt ADGRV1 protein function. Algorithms developed to predict the effect of sequence changes on RNA splicing suggest that this variant may create or strengthen a splice site. In summary, the available evidence is currently insufficient to determine the role of this variant in disease. Therefore, it has been classified as a Variant of Uncertain Significance.